The following is an entry in ClinVar:

NM_004928.3(CFAP410):c.77G>A (p.Trp26Ter)

Genes: CFAP410 (cilia and flagella associated protein 410; minus strand), LOC130066823 (ATAC-STARR-seq lymphoblastoid silent region 13383; plus strand). Cytogenetic location: 21q22.3.
Variant type: single nucleotide variant.
Coding change: c.77G>A on transcript NM_004928.3 (MANE Select); coding-DNA position 77, G replaced by A.
Protein change: p.Trp26Ter; replaces tryptophan 26 with a stop codon.
Molecular consequence: nonsense.
Genome position (GRCh38, 1-based): chr21:44,339,118, C>T on the plus strand (G>A on the coding strand, the complement: CFAP410 is on the minus strand). VCF-style: chr21-44339118-C-T. GRCh37 (hg19) VCF-style: chr21-45759001-C-T.
Other names: c.77G>A, p.Trp26Ter (NM_001271440.2, NM_001271441.2); short protein forms W26*.
Identifiers: ClinVar variation 3544461 (VCV003544461.1).
Genomic context (GRCh38, chr21:44,339,118, plus strand): 5'-CTCGCCCCGCCCCGGCTCCTCCCCCCACCCCGGGGCGGCCGCGGCCAGGCCCCGCCTCAC[C>T]AGCAGTTGAGCTTGCGCACGCTGTGCAGCTCCGAGGCCTTGGCCCGGGTCAGAACCATCT-3'

ClinVar aggregate classification (germline): Pathogenic (1 of 4 stars; one submission).

Conditions:
Cone-rod dystrophy. Also called: Cone-rod degeneration; Cone/cone-rod dystrophy. Identifiers: Orphanet 1872, MedGen C4085590, MONDO:0015993, HP:0000548.

gnomAD v4.1: 2 of 1,455,910 alleles (0.00014%); highest among the groups gnomAD compares: South Asian, 0.0027%; no homozygotes.

Submission:

Lab De Baere, Eye and Developmental Genetics Lab, Ghent University
Classification: Pathogenic for Cone-rod dystrophy. Last evaluated: 2024-10-01. Review status: criteria provided, single submitter. Criteria: ACMG Guidelines, 2015. Collection method: research. Allele origin: inherited. Affected: yes. Observed: 1 variant allele.
Comment: ACMG/AMP guidelines: PM2, PP4_PP, PVS1, PM3_PP